The following is an entry in ClinVar:

NM_006790.3(MYOT):c.1325-2A>G

Genes: PKD2L2-DT (PKD2L2 divergent transcript; minus strand), MYOT (myotilin; plus strand). Cytogenetic location: 5q31.2.
Variant type: single nucleotide variant.
Coding change: c.1325-2A>G on transcript NM_006790.3 (MANE Select); the canonical splice acceptor site of the intron before coding-DNA position 1325, A replaced by G.
Molecular consequence: splice acceptor variant.
Genome position (GRCh38, 1-based): chr5:137,887,211, A>G. VCF-style: chr5-137887211-A-G. GRCh37 (hg19) VCF-style: chr5-137222900-A-G.
Other names: c.980-2A>G (NM_001300911.2); c.773-2A>G (NM_001135940.2).
Identifiers: ClinVar variation 3633285 (VCV003633285.2).

ClinVar aggregate classification (germline): Uncertain significance (1 of 4 stars; one submission).

Conditions:
Myofibrillar myopathy 3 (MFM3). Also called: Muscular dystrophy, proximal, type 1A; Autosomal dominant spheroid body myopathy. Identifiers: Orphanet 266, Orphanet 268129, MedGen C3714934, MONDO:0012215, OMIM 609200.

Submission:

Labcorp Genetics (formerly Invitae), Labcorp
Classification: Uncertain significance for Myofibrillar myopathy 3. Last evaluated: 2024-01-30. Review status: criteria provided, single submitter. Criteria: Invitae Variant Classification Sherloc (09022015). Collection method: clinical testing. Allele origin: germline.
Comment: This sequence change falls in intron 9 of the MYOT gene. It does not directly change the encoded amino acid sequence of the MYOT protein. It affects a nucleotide within the consensus splice site. This variant is not present in population databases (gnomAD no frequency). This variant has not been reported in the literature in individuals affected with MYOT-related conditions. Variants that disrupt the consensus splice site are a relatively common cause of aberrant splicing (PMID: 17576681, 9536098). Algorithms developed to predict the effect of sequence changes on RNA splicing suggest that this variant may disrupt the consensus splice site. In summary, the available evidence is currently insufficient to determine the role of this variant in disease. Therefore, it has been classified as a Variant of Uncertain Significance.

Literature cited by the submitters: PubMed 17576681; PubMed 9536098.